The following is an entry in ClinVar:

NM_001378778.1(MPDZ):c.4471G>A (p.Gly1491Arg)

Gene: MPDZ (multiple PDZ domain crumbs cell polarity complex component; minus strand). Cytogenetic location: 9p23.
Variant type: single nucleotide variant.
Coding change: c.4471G>A on transcript NM_001378778.1 (MANE Select); coding-DNA position 4471, G replaced by A.
Protein change: p.Gly1491Arg; replaces glycine 1491 with arginine.
Molecular consequence: missense variant.
Genome position (GRCh38, 1-based): chr9:13,126,766, C>T on the plus strand (G>A on the coding strand, the complement: MPDZ is on the minus strand). VCF-style: chr9-13126766-C-T. GRCh37 (hg19) VCF-style: chr9-13126765-C-T.
Other names: c.4372G>A, p.Gly1458Arg (NM_001261406.2, NM_001261407.2, NM_001375416.1 and 3 more transcripts); c.4471G>A, p.Gly1491Arg (NM_001330637.2, NM_003829.5); c.4570G>A, p.Gly1524Arg (NM_001375413.1); c.4261G>A, p.Gly1421Arg (NM_001375420.1, NM_001375421.1, NM_001375422.1 and 4 more transcripts); c.4063G>A, p.Gly1355Arg (NM_001375427.1); c.4471G>A (NM_003829.3); short protein forms G1524R, G1355R, G1458R, G1421R, G1491R.
Identifiers: ClinVar variation 1353719 (VCV001353719.5), dbSNP rs376550385, ClinGen allele CA4986684.

ClinVar aggregate classification (germline): Uncertain significance. Review status: criteria provided, multiple submitters, no conflicts (2 of 4 stars). 2 submissions from 2 submitters: Uncertain significance (2). Last evaluated 2022-11-30.

Conditions:
Inborn genetic diseases. Identifiers: MedGen C0950123, MeSH D030342.

Allele frequency attached by ClinVar (database versions not stated): gnomAD exomes 0.00001; ExAC 0.00002; gnomAD 0.00006 and 0.00007; ESP Exome Variant Server 0.00008; TOPMed 0.00009.
gnomAD v4.1: 18 of 1,613,542 alleles (0.0011%); highest among the groups gnomAD compares: African/African-American, 0.023%; no homozygotes.

Submissions (2):

Ambry Genetics
Classification: Uncertain significance for Inborn genetic diseases. Last evaluated: 2022-11-30. Review status: criteria provided, single submitter. Criteria: Ambry Variant Classification Scheme 2023. Collection method: clinical testing. Allele origin: germline.

Labcorp Genetics (formerly Invitae), Labcorp
Classification: Uncertain significance. Last evaluated: 2022-10-24. Review status: criteria provided, single submitter. Criteria: Invitae Variant Classification Sherloc (09022015). Collection method: clinical testing. Allele origin: germline.
Comment: This variant has not been reported in the literature in individuals affected with MPDZ-related conditions. In summary, the available evidence is currently insufficient to determine the role of this variant in disease. Therefore, it has been classified as a Variant of Uncertain Significance. Algorithms developed to predict the effect of missense changes on protein structure and function (SIFT, PolyPhen-2, Align-GVGD) all suggest that this variant is likely to be disruptive. ClinVar contains an entry for this variant (Variation ID: 1353719). This variant is present in population databases (rs376550385, gnomAD 0.02%). This sequence change replaces glycine, which is neutral and non-polar, with arginine, which is basic and polar, at codon 1491 of the MPDZ protein (p.Gly1491Arg).